The following is an entry in ClinVar:

NM_000057.4(BLM):c.604A>C (p.Asn202His)

Gene: BLM (BLM RecQ like helicase; plus strand). Cytogenetic location: 15q26.1.
Variant type: single nucleotide variant.
Coding change: c.604A>C on transcript NM_000057.4 (MANE Select); coding-DNA position 604, A replaced by C.
Protein change: p.Asn202His; replaces asparagine 202 with histidine.
Molecular consequence: missense variant. On other transcripts: 5 prime UTR variant (1).
Genome position (GRCh38, 1-based): chr15:90,749,872, A>C. VCF-style: chr15-90749872-A-C. GRCh37 (hg19) VCF-style: chr15-91293102-A-C.
Other names: c.604A>C, p.Asn202His (NM_001287246.2, NM_001287247.2); c.-688A>C (NM_001287248.2); short protein forms N202H.
Identifiers: ClinVar variation 2828300 (VCV002828300.3), dbSNP rs587779894, ClinGen allele CA393841153.
Genomic context (GRCh38, chr15:90,749,872, plus strand): 5'-ACTGCTCAGAAATCAAAAAAGGGTAAGAGAAACTTTTTTAAAGCACAGCTTTATACAACA[A>C]ACACAGTAAAGACTGATTTGCCTCCACCCTCCTCTGAAAGCGAGCAAATAGATTTGACTG-3'
Protein context (NP_000048.1, residues 192-212): NFFKAQLYTT[Asn202His]TVKTDLPPPS

ClinVar aggregate classification (germline): Uncertain significance (1 of 4 stars; one submission).

Conditions:
Bloom syndrome (BLM). Also called: Bloom-Torre-Machacek syndrome. Identifiers: Orphanet 125, MedGen C0005859, MONDO:0008876, OMIM 210900.

Submission:

Labcorp Genetics (formerly Invitae), Labcorp
Classification: Uncertain significance for Bloom syndrome. Last evaluated: 2023-01-13. Review status: criteria provided, single submitter. Criteria: Invitae Variant Classification Sherloc (09022015). Collection method: clinical testing. Allele origin: germline.
Comment: In summary, the available evidence is currently insufficient to determine the role of this variant in disease. Therefore, it has been classified as a Variant of Uncertain Significance. Algorithms developed to predict the effect of missense changes on protein structure and function (SIFT, PolyPhen-2, Align-GVGD) all suggest that this variant is likely to be tolerated. This variant has not been reported in the literature in individuals affected with BLM-related conditions. This variant is not present in population databases (gnomAD no frequency). This sequence change replaces asparagine, which is neutral and polar, with histidine, which is basic and polar, at codon 202 of the BLM protein (p.Asn202His).